The following is an entry in ClinVar:

NM_000057.4(BLM):c.1519G>A (p.Glu507Lys)

Gene: BLM (BLM RecQ like helicase; plus strand). Cytogenetic location: 15q26.1.
Variant type: single nucleotide variant.
Coding change: c.1519G>A on transcript NM_000057.4 (MANE Select); coding-DNA position 1519, G replaced by A.
Protein change: p.Glu507Lys; replaces glutamic acid 507 with lysine.
Molecular consequence: missense variant.
Genome position (GRCh38, 1-based): chr15:90,760,892, G>A. VCF-style: chr15-90760892-G-A. GRCh37 (hg19) VCF-style: chr15-91304122-G-A.
Other names: c.1519G>A (LRG_20t1); c.1519G>A, p.Glu507Lys (NM_001287246.2, NM_001287247.2); c.394G>A, p.Glu132Lys (NM_001287248.2); short protein forms E507K, E132K.
Identifiers: ClinVar variation 405326 (VCV000405326.21), dbSNP rs192491153, ClinGen allele CA7738551.

ClinVar aggregate classification (germline): Conflicting classifications of pathogenicity. Review status: criteria provided, conflicting classifications (1 of 4 stars). 7 submissions from 7 submitters: Uncertain significance (6); Likely benign (1). Last evaluated 2026-02-20.

Conditions:
Hereditary cancer-predisposing syndrome. Also called: Hereditary Cancer Syndrome; Hereditary neoplastic syndrome; Neoplastic Syndromes, Hereditary; Tumor predisposition. Identifiers: Orphanet 140162, MedGen C0027672, MeSH D009386, MONDO:0015356.
Bloom syndrome (BLM). Also called: Bloom-Torre-Machacek syndrome. Identifiers: Orphanet 125, MedGen C0005859, MONDO:0008876, OMIM 210900.

Allele frequency attached by ClinVar (database versions not stated): gnomAD exomes 0.00001 and 0.00002; ExAC 0.00002; gnomAD 0.00013 and 0.00014; TOPMed 0.00024; 1000 Genomes Project 30x 0.00047; 1000 Genomes Project 0.00060.
gnomAD v4.1: 35 of 1,613,888 alleles (0.0022%); highest among the groups gnomAD compares: Admixed American, 0.04%; no homozygotes.

Submissions (7):

St. Jude Molecular Pathology, St. Jude Children's Research Hospital
Classification: Uncertain significance for Bloom syndrome. Last evaluated: 2026-02-20. Review status: criteria provided, single submitter. Criteria: St. Jude Assertion Criteria 2020. Collection method: clinical testing. Allele origin: germline.
Comment: The BLM c.1519G>A p.(Glu507Lys) mi ssense change has a maximum subpopulation frequency of 0.0087% in gnomAD v2.1.1. The in silico tool REVEL predicts a benign effect on protein function, but to our knowledge this prediction has not been confirmed by fun ctional studies. This variant has been reported in an individual with breast cancer (PMID: 31780696) and an individual with T-cell acute lymphoblastic leukemia (PMID: 39330991). In summary, the evidence currently available is insufficient to determine th e clinical significance of this variant. It has therefore been classified as of uncertain significance.

Labcorp Genetics (formerly Invitae), Labcorp
Classification: Uncertain significance for Bloom syndrome. Last evaluated: 2026-01-31. Review status: criteria provided, single submitter. Criteria: Invitae Variant Classification Sherloc (09022015). Collection method: clinical testing. Allele origin: germline.
Comment: This sequence change replaces glutamic acid, which is acidic and polar, with lysine, which is basic and polar, at codon 507 of the BLM protein (p.Glu507Lys). This variant is present in population databases (rs192491153, gnomAD 0.006%). This missense change has been observed in individual(s) with breast cancer (PMID: 31780696). ClinVar contains an entry for this variant (Variation ID: 405326). Invitae Evidence Modeling of protein sequence and biophysical properties (such as structural, functional, and spatial information, amino acid conservation, physicochemical variation, residue mobility, and thermodynamic stability) indicates that this missense variant is not expected to disrupt BLM protein function with a negative predictive value of 80%. In summary, the available evidence is currently insufficient to determine the role of this variant in disease. Therefore, it has been classified as a Variant of Uncertain Significance.

Quest Diagnostics Nichols Institute San Juan Capistrano
Classification: Uncertain significance. Last evaluated: 2025-07-24. Review status: criteria provided, single submitter. Criteria: Quest Diagnostics criteria. Collection method: clinical testing. Allele origin: unknown.
Comment: The BLM c.1519G>A (p.Glu507Lys) variant has been reported in the published literature in an individual with breast cancer (PMID: 31780696 (2019)). The frequency of this variant in the general population (Genome Aggregation Database) is uninformative in the assessment of its pathogenicity. Analysis of this variant using bioinformatics tools for the prediction of the effect of amino acid changes on protein structure and function yielded predictions that this variant is benign. Based on the available information, we are unable to determine the clinical significance of this variant.

GeneDx
Classification: Uncertain significance. Last evaluated: 2024-04-23. Review status: criteria provided, single submitter. Criteria: GeneDx Variant Classification Process June 2021. Collection method: clinical testing. Allele origin: germline. Affected: yes.
Comment: Not observed at significant frequency in large population cohorts (gnomAD); In silico analysis indicates that this missense variant does not alter protein structure/function; Observed in an individual with breast cancer (PMID: 31780696); This variant is associated with the following publications: (PMID: 31780696)

Sema4
Classification: Uncertain significance for Hereditary cancer-predisposing syndrome. Last evaluated: 2021-10-25. Review status: criteria provided, single submitter. Criteria: Sema4 Curation Guidelines. Collection method: curation. Allele origin: germline.
Comment: The BLM c.1519G>A (p.E507K) variant has been reported in heterozygosity in at least one individual with breast cancer (PMID: 31780696). It was observed in 3/34572 chromosomes of the Latino subpopulation in the large and broad cohorts of the Genome Aggregation Database (PMID: 32461654). The variant has been reported in ClinVar (Variation ID 405326). In silico tools suggest the impact of the variant on protein function is benign, though these predictions have not been confirmed by functional studies. The evidence is insufficient to meet ACMG/AMP criteria for classifying the variant as benign or pathogenic. Thus, the clinical significance of this variant is currently uncertain.

Genetic Services Laboratory, University of Chicago
Classification: Uncertain significance. Last evaluated: 2021-10-01. Review status: criteria provided, single submitter. Criteria: ACMG Guidelines, 2015. Collection method: clinical testing. Allele origin: germline. Affected: no.
Comment: DNA sequence analysis of the BLM gene demonstrated a sequence change, c.1519G>A, in exon 7 that results in an amino acid change, p.Glu507Lys. This sequence change has been described in the gnomAD database with a frequency of 0.0087% in the Latino/Admixed American subpopulation (dbSNP rs192491153). The p.Glu507Lys change affects a moderately conserved amino acid residue located in a domain of the BLM protein that is not known to be functional. The p.Glu507Lys substitution appears to be benign using several in-silico pathogenicity prediction tools (SIFT, PolyPhen2, Align GVGD, REVEL). This sequence change has previously been described in an individual with breast cancer (PMID: 31780696). Due to insufficient evidence and the lack of functional studies, the clinical significance of the p.Glu507Lys change remains unknown at this time.

Ambry Genetics
Classification: Likely benign for Hereditary cancer-predisposing syndrome. Last evaluated: 2018-03-26. Review status: criteria provided, single submitter. Criteria: Ambry Variant Classification Scheme 2023. Collection method: clinical testing. Allele origin: germline.

Literature cited by the submitters: PubMed 31780696 (cited by 3 submitters).